The following is an entry in ClinVar:

NM_152309.3(PIK3AP1):c.257C>T (p.Pro86Leu)

Gene: PIK3AP1 (phosphoinositide-3-kinase adaptor protein 1; minus strand). Cytogenetic location: 10q24.1.
Variant type: single nucleotide variant.
Coding change: c.257C>T on transcript NM_152309.3 (MANE Select); coding-DNA position 257, C replaced by T.
Protein change: p.Pro86Leu; replaces proline 86 with leucine.
Molecular consequence: missense variant.
Genome position (GRCh38, 1-based): chr10:96,709,740, G>A on the plus strand (C>T on the coding strand, the complement: PIK3AP1 is on the minus strand). VCF-style: chr10-96709740-G-A. GRCh37 (hg19) VCF-style: chr10-98469497-G-A.
Other names: short protein forms P86L.
Identifiers: ClinVar variation 955621 (VCV000955621.7), dbSNP rs374337467, ClinGen allele CA5626580.

ClinVar aggregate classification (germline): Uncertain significance (1 of 4 stars; one submission).

Conditions:
Infantile spasms. Also called: Infantile spasm. Identifiers: MedGen C3887898, HP:0012469.

Allele frequency attached by ClinVar (database versions not stated): ExAC 0.00001; gnomAD exomes 0.00001 and 0.00002; TOPMed 0.00001; ESP Exome Variant Server 0.00008.
gnomAD v4.1: 11 of 1,614,066 alleles (0.00068%); highest among the groups gnomAD compares: Admixed American, 0.0017%; no homozygotes.

Submission:

Labcorp Genetics (formerly Invitae), Labcorp
Classification: Uncertain significance for Infantile spasms. Last evaluated: 2021-08-20. Review status: criteria provided, single submitter. Criteria: Invitae Variant Classification Sherloc (09022015). Collection method: clinical testing. Allele origin: germline.
Comment: This sequence change replaces proline with leucine at codon 86 of the PIK3AP1 protein (p.Pro86Leu). The proline residue is moderately conserved and there is a moderate physicochemical difference between proline and leucine. This variant is present in population databases (rs374337467, ExAC 0.002%). This variant has not been reported in the literature in individuals affected with PIK3AP1-related conditions. Algorithms developed to predict the effect of missense changes on protein structure and function (SIFT, PolyPhen-2, Align-GVGD) all suggest that this variant is likely to be tolerated. In summary, the available evidence is currently insufficient to determine the role of this variant in disease. Therefore, it has been classified as a Variant of Uncertain Significance.